The following is an entry in ClinVar:

ClinVar aggregate classification (germline): Uncertain significance. Review status: criteria provided, multiple submitters, no conflicts (2 of 4 stars). 2 submissions from 2 submitters: Uncertain significance (2). Last evaluated 2024-09-03.

Allele frequency attached by ClinVar (database versions not stated): TOPMed 0.00004; gnomAD 0.00006; 1000 Genomes Project 30x 0.00016; 1000 Genomes Project 0.00020.
gnomAD v4.1: 68 of 1,447,140 alleles (0.0047%); highest among the groups gnomAD compares: Non-Finnish European, 0.0058%; no homozygotes.

Submissions (2):

Blueprint Genetics
Classification: Uncertain significance. Last evaluated: 2024-09-03. Review status: criteria provided, single submitter. Criteria: ACMG Guidelines, 2015. Collection method: clinical testing. Allele origin: germline.

Labcorp Genetics (formerly Invitae), Labcorp
Classification: Uncertain significance. Last evaluated: 2022-08-08. Review status: criteria provided, single submitter. Criteria: Invitae Variant Classification Sherloc (09022015). Collection method: clinical testing. Allele origin: germline.
Comment: This sequence change replaces proline, which is neutral and non-polar, with leucine, which is neutral and non-polar, at codon 966 of the CRB2 protein (p.Pro966Leu). The frequency data for this variant in the population databases is considered unreliable, as metrics indicate poor data quality at this position in the gnomAD database. This variant has not been reported in the literature in individuals affected with CRB2-related conditions. Advanced modeling of protein sequence and biophysical properties (such as structural, functional, and spatial information, amino acid conservation, physicochemical variation, residue mobility, and thermodynamic stability) performed at Invitae indicates that this missense variant is not expected to disrupt CRB2 protein function. In summary, the available evidence is currently insufficient to determine the role of this variant in disease. Therefore, it has been classified as a Variant of Uncertain Significance.

NM_173689.7(CRB2):c.2897C>T (p.Pro966Leu)

Gene: CRB2 (crumbs cell polarity complex component 2; plus strand). Cytogenetic location: 9q33.3.
Variant type: single nucleotide variant.
Coding change: c.2897C>T on transcript NM_173689.7 (MANE Select); coding-DNA position 2897, C replaced by T.
Protein change: p.Pro966Leu; replaces proline 966 with leucine.
Molecular consequence: missense variant. On other transcripts: non-coding transcript variant (1).
Genome position (GRCh38, 1-based): chr9:123,373,428, C>T. VCF-style: chr9-123373428-C-T. GRCh37 (hg19) VCF-style: chr9-126135707-C-T.
Other names: short protein forms P966L.
Identifiers: ClinVar variation 2184906 (VCV002184906.2), dbSNP rs565689888, ClinGen allele CA5232309.